The following is an entry in ClinVar:

ClinVar aggregate classification (germline): Benign/Likely benign; drug response. Review status: criteria provided, multiple submitters, no conflicts (2 of 4 stars). 12 submissions from 12 submitters: Benign (8); Likely benign (1). 2 of the submissions do not count toward it. Last evaluated 2026-02-04.

Conditions:
H syndrome. Also called: Histiocytosis with joint contractures and sensorineural deafness; FAISALABAD HISTIOCYTOSIS; HISTIOCYTOSIS AND LYMPHADENOPATHY WITH OR WITHOUT CUTANEOUS, CARDIAC, AND/OR ENDOCRINE FEATURES, JOINT CONTRACTURES, AND/OR DEAFNESS; HYPERPIGMENTATION, CUTANEOUS, WITH HYPERTRICHOSIS, HEPATOSPLENOMEGALY, HEART ANOMALIES, AND HYPOGONADISM WITH OR WITHOUT HEARING LOSS; PIGMENTED HYPERTRICHOSIS WITH INSULIN-DEPENDENT DIABETES MELLITUS; ROSAI-DORFMAN DISEASE, FAMILIAL. Identifiers: Orphanet 168569, MedGen C1864445, MONDO:0011273, OMIM 602782.
Gemcitabine response. Also called: Gemzar response. Identifiers: MedGen CN188728.
Acanthosis nigricans. Identifiers: MedGen C0000889, MeSH D000052, MONDO:0007035, HP:0000956.

Allele frequency attached by ClinVar (database versions not stated): 1000 Genomes Project 30x 0.47845; 1000 Genomes Project 0.47983; TOPMed 0.58828; gnomAD 0.61038 and 0.61569; ESP Exome Variant Server 0.61825; ExAC 0.63843; gnomAD exomes 0.63927 and 0.71151.

Submissions (12):

Labcorp Genetics (formerly Invitae), Labcorp
Classification: Benign for H syndrome. Last evaluated: 2026-02-04. Review status: criteria provided, single submitter. Criteria: Invitae Variant Classification Sherloc (09022015). Collection method: clinical testing. Allele origin: germline.

Women's Health and Genetics/Laboratory Corporation of America, LabCorp
Classification: Benign. Last evaluated: 2026-01-21. Review status: criteria provided, single submitter. Criteria: LabCorp Variant Classification Summary - May 2015. Collection method: clinical testing. Allele origin: germline.

Blueprint Genetics
Classification: Likely benign. Last evaluated: 2024-11-27. Review status: criteria provided, single submitter. Criteria: ACMG Guidelines, 2015. Collection method: clinical testing. Allele origin: germline.

Unidad de Genómica Garrahan, Hospital de Pediatría Garrahan
Classification: Benign. Last evaluated: 2023-11-12. Review status: criteria provided, single submitter. Criteria: ACMG Guidelines, 2015. Collection method: clinical testing. Allele origin: germline. Affected: no. Observed: 83 variant alleles.
Comment: This variant is classified as Benign based on local population frequency. This variant was detected in 86% of patients studied by a panel of primary immunodeficiencies. Number of patients: 83. Only high quality variants are reported.

Mayo Clinic Laboratories, Mayo Clinic
Classification: Benign. Last evaluated: 2023-08-11. Review status: criteria provided, single submitter. Criteria: ACMG Guidelines, 2015. Collection method: clinical testing. Allele origin: germline. Observed: 457 variant alleles.
Comment: BA1, BS2

Genome-Nilou Lab
Classification: Benign for H syndrome. Last evaluated: 2021-07-15. Review status: criteria provided, single submitter. Criteria: ACMG Guidelines, 2015. Collection method: clinical testing. Allele origin: germline. Affected: no.

GeneDx
Classification: Benign. Last evaluated: 2021-06-09. Review status: criteria provided, single submitter. Criteria: GeneDx Variant Classification Process June 2021. Collection method: clinical testing. Allele origin: germline. Affected: yes.
Comment: This variant is associated with the following publications: (PMID: 28842327)

Eurofins Ntd Llc (ga)
Classification: Benign. Last evaluated: 2018-09-11. Review status: criteria provided, single submitter. Criteria: EGL ClinVar v180209 classification definitions. Collection method: clinical testing. Allele origin: germline. Observed: 1 variant allele, 1 heterozygote.

Illumina Laboratory Services, Illumina
Classification: Benign for H syndrome. Last evaluated: 2018-01-13. Review status: criteria provided, single submitter. Criteria: ICSL Variant Classification Criteria 13 December 2019. Collection method: clinical testing. Allele origin: germline.
Comment: This variant was observed in the ICSL laboratory as part of a predisposition screen in an ostensibly healthy population. It had not been previously curated by ICSL or reported in the Human Gene Mutation Database (HGMD: prior to June 1st, 2018), and was therefore a candidate for classification through an automated scoring system. Utilizing variant allele frequency, disease prevalence and penetrance estimates, and inheritance mode, an automated score was calculated to assess if this variant is too frequent to cause the disease. Based on the score and internal cut-off values, a variant classified as benign is not then subjected to further curation. The score for this variant resulted in a classification of benign for this disease.

Bioinformatics Institute, Agency for Science, Technology and Research
Classification: drug response for Gemcitabine response. Last evaluated: 2017-01-01. Review status: criteria provided, single submitter. Criteria: Limviphuvadh et al. (BMC Cancer 2018). Collection method: research. Allele origin: germline. Affected: yes.
Comment: SLC29A3 S158F is associated with increased survival in a Singaporean NSCLC patient cohort treated with gemcitabine-based chemotherapy

Clinical Genomics, Uppaluri K&H Personalized Medicine Clinic
Classification: association for Acanthosis nigricans. Review status: no assertion criteria provided. Collection method: research. Allele origin: somatic. Affected: yes. Not counted in ClinVar's aggregate classification.
Comment: Mutations in this gene can predispose to acanthosis nigricans in patients with insulin dependent diabetes.

Genetic Services Laboratory, University of Chicago
Classification: Likely benign for AllHighlyPenetrant. Review status: no assertion criteria provided. Collection method: clinical testing. Allele origin: germline. Inheritance: Autosomal recessive inheritance. Not counted in ClinVar's aggregate classification.
Comment: Likely benign based on allele frequency in 1000 Genomes Project or ESP global frequency and its presence in a patient with a rare or unrelated disease phenotype. NOT Sanger confirmed.

Literature cited by the submitters: PubMed 28842327 (cited by Mayo Clinic Laboratories, Mayo Clinic); PubMed 31464584 (cited by Clinical Genomics, Uppaluri K&H Personalized Medicine Clinic).

NM_018344.6(SLC29A3):c.473C>T (p.Ser158Phe)

Gene: SLC29A3 (solute carrier family 29 member 3; plus strand). Cytogenetic location: 10q22.1.
Variant type: single nucleotide variant.
Coding change: c.473C>T on transcript NM_018344.6 (MANE Select); coding-DNA position 473, C replaced by T.
Protein change: p.Ser158Phe; replaces serine 158 with phenylalanine.
Molecular consequence: missense variant. On other transcripts: non-coding transcript variant (1).
Genome position (GRCh38, 1-based): chr10:71,351,651, C>T. VCF-style: chr10-71351651-C-T. GRCh37 (hg19) VCF-style: chr10-73111408-C-T.
Other names: c.473C>T, p.Ser158Phe (NM_001174098.2); c.239C>T, p.Ser80Phe (NM_001363518.2); short protein forms S158F, S80F.
Identifiers: ClinVar variation 130341 (VCV000130341.31), dbSNP rs780668, ClinGen allele CA155240.